The following is an entry in ClinVar:

ClinVar aggregate classification (germline): Uncertain significance. Review status: criteria provided, multiple submitters, no conflicts (2 of 4 stars). 2 submissions from 2 submitters: Uncertain significance (2). Last evaluated 2022-08-13.

Conditions:
Familial hypocalciuric hypercalcemia (FHH). Also called: Familial benign hypercalcemia. Identifiers: Orphanet 405, MedGen C1809471, MONDO:0018458.
Autosomal dominant hypocalcemia 1 (HYPOC1). Also called: HYPOCALCEMIA, FAMILIAL. Identifiers: MedGen C3715128, MONDO:0011013, OMIM 601198.
Nephrolithiasis/nephrocalcinosis. Identifiers: MedGen CN580796.

Submissions (2):

Labcorp Genetics (formerly Invitae), Labcorp
Classification: Uncertain significance for Familial hypocalciuric hypercalcemia; Autosomal dominant hypocalcemia 1. Last evaluated: 2022-08-13. Review status: criteria provided, single submitter. Criteria: Invitae Variant Classification Sherloc (09022015). Collection method: clinical testing. Allele origin: germline.
Comment: Algorithms developed to predict the effect of missense changes on protein structure and function (SIFT, PolyPhen-2, Align-GVGD) all suggest that this variant is likely to be disruptive. This variant has not been reported in the literature in individuals affected with CASR-related conditions. This variant is not present in population databases (gnomAD no frequency). This sequence change replaces glycine, which is neutral and non-polar, with tryptophan, which is neutral and slightly polar, at codon 35 of the CASR protein (p.Gly35Trp). In summary, the available evidence is currently insufficient to determine the role of this variant in disease. Therefore, it has been classified as a Variant of Uncertain Significance.

Ambry Genetics
Classification: Uncertain significance for Nephrolithiasis/nephrocalcinosis. Last evaluated: 2021-12-12. Review status: criteria provided, single submitter. Criteria: Ambry Variant Classification Scheme 2023. Collection method: clinical testing. Allele origin: germline.
Comment: The p.G35W variant (also known as c.103G>T), located in coding exon 1 of the CASR gene, results from a G to T substitution at nucleotide position 103. The glycine at codon 35 is replaced by tryptophan, an amino acid with highly dissimilar properties. This amino acid position is conserved. In addition, this alteration is predicted to be deleterious by in silico analysis. Since supporting evidence is limited at this time, the clinical significance of this alteration remains unclear.

NM_000388.4(CASR):c.103G>T (p.Gly35Trp)

Gene: CASR (calcium sensing receptor; plus strand). Cytogenetic location: 3q21.1.
Variant type: single nucleotide variant.
Coding change: c.103G>T on transcript NM_000388.4 (MANE Select); coding-DNA position 103, G replaced by T.
Protein change: p.Gly35Trp; replaces glycine 35 with tryptophan.
Molecular consequence: missense variant.
Genome position (GRCh38, 1-based): chr3:122,254,292, G>T. VCF-style: chr3-122254292-G-T. GRCh37 (hg19) VCF-style: chr3-121973139-G-T.
Other names: c.103G>T, p.Gly35Trp (NM_001178065.2); short protein forms G35W.
Identifiers: ClinVar variation 1716357 (VCV001716357.8), dbSNP rs2473205437, ClinGen allele CA354362138.
Genomic context (GRCh38, chr3:122,254,292, plus strand): 5'-TGGCACACCTCTGCCTACGGGCCAGACCAGCGAGCCCAAAAGAAGGGGGACATTATCCTT[G>T]GGGGGCTCTTTCCTATTCATTTTGGAGTAGCAGCTAAAGATCAAGATCTCAAATCAAGGC-3'
Protein context (NP_000379.3, residues 25-45): RAQKKGDIIL[Gly35Trp]GLFPIHFGVA